The following is an entry in ClinVar:

NM_018417.6(ADCY10):c.1823G>A (p.Arg608Gln)

Gene: ADCY10 (adenylate cyclase 10; minus strand). Cytogenetic location: 1q24.2.
Variant type: single nucleotide variant.
Coding change: c.1823G>A on transcript NM_018417.6 (MANE Select); coding-DNA position 1823, G replaced by A.
Protein change: p.Arg608Gln; replaces arginine 608 with glutamine.
Molecular consequence: missense variant.
Genome position (GRCh38, 1-based): chr1:167,859,880, C>T on the plus strand (G>A on the coding strand, the complement: ADCY10 is on the minus strand). VCF-style: chr1-167859880-C-T. GRCh37 (hg19) VCF-style: chr1-167829118-C-T.
Other names: c.1823G>A (NM_018417.4); c.1364G>A, p.Arg455Gln (NM_001167749.3); c.1547G>A, p.Arg516Gln (NM_001297772.2); short protein forms R516Q, R608Q, R455Q.
Identifiers: ClinVar variation 2741078 (VCV002741078.4), dbSNP rs578025092, ClinGen allele CA1227822.

ClinVar aggregate classification (germline): Uncertain significance. Review status: criteria provided, multiple submitters, no conflicts (2 of 4 stars). 2 submissions from 2 submitters: Uncertain significance (2). Last evaluated 2025-02-28.

Allele frequency attached by ClinVar (database versions not stated): ExAC 0.00003; TOPMed 0.00003; gnomAD 0.00004; gnomAD exomes 0.00004; 1000 Genomes Project 0.00020; 1000 Genomes Project 30x 0.00031.
gnomAD v4.1: 70 of 1,610,610 alleles (0.0043%); highest among the groups gnomAD compares: South Asian, 0.011%; no homozygotes.

Submissions (2):

Ambry Genetics
Classification: Uncertain significance. Last evaluated: 2025-02-28. Review status: criteria provided, single submitter. Criteria: Ambry Variant Classification Scheme 2023. Collection method: clinical testing. Allele origin: germline.

Labcorp Genetics (formerly Invitae), Labcorp
Classification: Uncertain significance. Last evaluated: 2023-04-26. Review status: criteria provided, single submitter. Criteria: Invitae Variant Classification Sherloc (09022015). Collection method: clinical testing. Allele origin: germline.
Comment: This variant has not been reported in the literature in individuals affected with ADCY10-related conditions. The frequency data for this variant in the population databases is considered unreliable, as metrics indicate poor data quality at this position in the gnomAD database. This sequence change replaces arginine, which is basic and polar, with glutamine, which is neutral and polar, at codon 608 of the ADCY10 protein (p.Arg608Gln). Algorithms developed to predict the effect of missense changes on protein structure and function output the following: SIFT: "Not Available"; PolyPhen-2: "Benign"; Align-GVGD: "Not Available". The glutamine amino acid residue is found in multiple mammalian species, which suggests that this missense change does not adversely affect protein function. In summary, the available evidence is currently insufficient to determine the role of this variant in disease. Therefore, it has been classified as a Variant of Uncertain Significance.